The following is an entry in ClinVar:

NM_000147.5(FUCA1):c.790C>T (p.Arg264Ter)

Gene: FUCA1 (alpha-L-fucosidase 1; minus strand). Cytogenetic location: 1p36.11.
Variant type: single nucleotide variant.
Coding change: c.790C>T on transcript NM_000147.5 (MANE Select); coding-DNA position 790, C replaced by T.
Protein change: p.Arg264Ter; replaces arginine 264 with a stop codon.
Molecular consequence: nonsense.
Genome position (GRCh38, 1-based): chr1:23,854,539, G>A on the plus strand (C>T on the coding strand, the complement: FUCA1 is on the minus strand). VCF-style: chr1-23854539-G-A. GRCh37 (hg19) VCF-style: chr1-24181029-G-A.
Other names: short protein forms R264*.
Identifiers: ClinVar variation 100721 (VCV000100721.11), dbSNP rs587779399, ClinGen allele CA150626.

ClinVar aggregate classification (germline): Pathogenic. Review status: criteria provided, multiple submitters, no conflicts (2 of 4 stars). 4 submissions from 4 submitters: Pathogenic (3). 1 of the submissions does not count toward it. Last evaluated 2024-12-14.

Conditions:
Fucosidosis. Also called: ALPHA-L-FUCOSIDASE DEFICIENCY. Identifiers: Orphanet 349, MedGen C0016788, MONDO:0009254, OMIM 230000.

Allele frequency attached by ClinVar (database versions not stated): gnomAD exomes below 0.00001; gnomAD 0.00001; TOPMed 0.00001.
gnomAD v4.1: 4 of 1,613,548 alleles (0.00025%); highest among the groups gnomAD compares: Admixed American, 0.0017%; no homozygotes.

Submissions (4):

GeneDx
Classification: Pathogenic. Last evaluated: 2024-12-14. Review status: criteria provided, single submitter. Criteria: GeneDx Variant Classification Process June 2021. Collection method: clinical testing. Allele origin: germline. Affected: yes.
Comment: Identified with a second FUCA1 variant in a patient with fucosidosis in published literature, however phase was not repprted (PMID: 24767253); Nonsense variant predicted to result in protein truncation or nonsense mediated decay in a gene for which loss of function is a known mechanism of disease; Not observed at significant frequency in large population cohorts (gnomAD); This variant is associated with the following publications: (PMID: 31589614, 24767253)

Labcorp Genetics (formerly Invitae), Labcorp
Classification: Pathogenic for Fucosidosis. Last evaluated: 2024-03-03. Review status: criteria provided, single submitter. Criteria: Invitae Variant Classification Sherloc (09022015). Collection method: clinical testing. Allele origin: germline.
Comment: This sequence change creates a premature translational stop signal (p.Arg264*) in the FUCA1 gene. It is expected to result in an absent or disrupted protein product. Loss-of-function variants in FUCA1 are known to be pathogenic (PMID: 10094192). This variant is present in population databases (rs587779399, gnomAD 0.003%). This premature translational stop signal has been observed in individual(s) with fucosidosis (PMID: 24767253). ClinVar contains an entry for this variant (Variation ID: 100721). For these reasons, this variant has been classified as Pathogenic.

3billion
Classification: Pathogenic for Fucosidosis. Last evaluated: 2023-02-23. Review status: criteria provided, single submitter. Criteria: ACMG Guidelines, 2015. Collection method: clinical testing. Allele origin: unknown. Affected: yes.
Comment: The variant is observed at an extremely low frequency in the gnomAD v2.1.1 dataset (total allele frequency: <0.001%). This homozygous variant was predicted to result in a loss or disruption of normal protein function through nonsense-mediated decay (NMD) or protein truncation. Multiple pathogenic variants are reported downstream of the variant. The variant has been reported at least twice as pathogenic without evidence for the classification (ClinVar ID: VCV000100721 / PMID: 24767253). Therefore, this variant is classified as Pathogenic according to the recommendation of ACMG/AMP guideline.

Unidad de Diagnostico y Tratamiento de Errores Congenitos del Metabolismo. Hospital Clínico Universitário de Santiago de Compostela
Classification: Pathogenic for Fucosidosis. Review status: no assertion criteria provided. Collection method: research. Allele origin: inherited. Affected: yes. Not counted in ClinVar's aggregate classification.

Literature cited by the submitters: PubMed 10094192 (cited by Labcorp Genetics (formerly Invitae), Labcorp); PubMed 24767253 (cited by Labcorp Genetics (formerly Invitae), Labcorp and 3billion).